The following is an entry in ClinVar:

ClinVar aggregate classification (germline): Uncertain significance (1 of 4 stars; one submission).

gnomAD v4.1: 1 of 1,611,994 alleles (0.000062%); no homozygotes.

Submission:

Labcorp Genetics (formerly Invitae), Labcorp
Classification: Uncertain significance. Last evaluated: 2024-04-25. Review status: criteria provided, single submitter. Criteria: Invitae Variant Classification Sherloc (09022015). Collection method: clinical testing. Allele origin: germline.
Comment: This sequence change replaces lysine, which is basic and polar, with glutamic acid, which is acidic and polar, at codon 43 of the PSMA3 protein (p.Lys43Glu). This variant is not present in population databases (gnomAD no frequency). This variant has not been reported in the literature in individuals affected with PSMA3-related conditions. ClinVar contains an entry for this variant (Variation ID: 1977476). An algorithm developed to predict the effect of missense changes on protein structure and function (PolyPhen-2) suggests that this variant is likely to be tolerated. In summary, the available evidence is currently insufficient to determine the role of this variant in disease. Therefore, it has been classified as a Variant of Uncertain Significance.

NM_002788.4(PSMA3):c.127A>G (p.Lys43Glu)

Gene: PSMA3 (proteasome 20S subunit alpha 3; plus strand). Cytogenetic location: 14q23.1.
Variant type: single nucleotide variant.
Coding change: c.127A>G on transcript NM_002788.4 (MANE Select); coding-DNA position 127, A replaced by G.
Protein change: p.Lys43Glu; replaces lysine 43 with glutamic acid.
Molecular consequence: missense variant. On other transcripts: non-coding transcript variant (1).
Genome position (GRCh38, 1-based): chr14:58,252,141, A>G. VCF-style: chr14-58252141-A-G. GRCh37 (hg19) VCF-style: chr14-58718859-A-G.
Other names: c.127A>G, p.Lys43Glu (NM_152132.3); short protein forms K43E.
Identifiers: ClinVar variation 1977476 (VCV001977476.5), dbSNP rs985960967, ClinGen allele CA261597282.